The following is an entry in ClinVar:

ClinVar aggregate classification (germline): Uncertain significance (1 of 4 stars; one submission).

Conditions:
DDX41-related hematologic malignancy predisposition syndrome. Also called: DDX41-Associated Familial Myelodysplastic Syndrome and Acute Myeloid Leukemia; Myeloproliferative/lymphoproliferative neoplasms, familial (multiple types), susceptibility to. Identifiers: Orphanet 488647, MedGen C4225174, MONDO:0014809, OMIM 616871.

Submission:

St. Jude Molecular Pathology, St. Jude Children's Research Hospital
Classification: Uncertain significance for DDX41-related hematologic malignancy predisposition syndrome. Last evaluated: 2024-01-25. Review status: criteria provided, single submitter. Criteria: St. Jude Assertion Criteria 2020. Collection method: clinical testing. Allele origin: germline.
Comment: The DDX41 c.629A>C (p.Gln210Pro) missense change is absent in gnomAD v2.1.1. The in silico tool REVEL predicts a deleterious effect on protein function, but to our knowledge this prediction has not been confirmed by functional studies. This variant is located near or within the DEAD box domain of DDX41 (PMID: 27721487; 27928732; 36455200). One study reported a different substitution at this amino acid codon (DDX41 p.Gln210Lys) as deleterious variant that may confer a risk to myeloid neoplasms (PMID: 36455200). To our knowledge, the DDX41 p.Gln210Pro variant detected in the current sample has not been reported in individuals with DDX41-associated familial myeloproliferative/lymphoproliferative neoplasms. In summary, the evidence currently available is insufficient to determine the clinical significance of this variant. It has therefore been classified as of uncertain significance.

NM_016222.4(DDX41):c.629A>C (p.Gln210Pro)

Gene: DDX41 (DEAD-box helicase 41; minus strand). Cytogenetic location: 5q35.3.
Variant type: single nucleotide variant.
Coding change: c.629A>C on transcript NM_016222.4 (MANE Select); coding-DNA position 629, A replaced by C.
Protein change: p.Gln210Pro; replaces glutamine 210 with proline.
Molecular consequence: missense variant.
Genome position (GRCh38, 1-based): chr5:177,515,201, T>G on the plus strand (A>C on the coding strand, the complement: DDX41 is on the minus strand). VCF-style: chr5-177515201-T-G. GRCh37 (hg19) VCF-style: chr5-176942202-T-G.
Other names: c.251A>C, p.Gln84Pro (NM_001321732.2, NM_001321830.2); short protein forms Q210P, Q84P.
Identifiers: ClinVar variation 3377820 (VCV003377820.1).
Genomic context (GRCh38, chr5:177,515,201, plus strand): 5'-GTTCCAGCCCTCCTCAAGGACCCCAGGTCCACAGTCCACACTCACATGGTGGGGATGCCC[T>G]GGATCTGAATGGGTGTTGGGTGGTGAATGCCTTTCTTCTTCAGGCCTCTCAGGATGGCTA-3'
Protein context (NP_057306.2, residues 200-220): GIHHPTPIQI[Gln210Pro]GIPTILSGRD